The following is an entry in ClinVar:

ClinVar aggregate classification (germline): Uncertain significance (1 of 4 stars; one submission).

gnomAD v4.1: 17 of 1,613,164 alleles (0.0011%); highest among the groups gnomAD compares: Admixed American, 0.0017%; no homozygotes.

Submission:

Ambry Genetics
Classification: Uncertain significance. Last evaluated: 2024-12-07. Review status: criteria provided, single submitter. Criteria: Ambry Variant Classification Scheme 2023. Collection method: clinical testing. Allele origin: germline.
Comment: The p.T692I variant (also known as c.2075C>T), located in coding exon 3 of the CDK12 gene, results from a C to T substitution at nucleotide position 2075. The threonine at codon 692 is replaced by isoleucine, an amino acid with similar properties. This amino acid position is conserved. In addition, this alteration is predicted to be tolerated by in silico analysis. Based on the available evidence, the clinical significance of this variant remains unclear.

NM_016507.4(CDK12):c.2075C>T (p.Thr692Ile)

Gene: CDK12 (cyclin dependent kinase 12; plus strand). Cytogenetic location: 17q12.
Variant type: single nucleotide variant.
Coding change: c.2075C>T on transcript NM_016507.4 (MANE Select); coding-DNA position 2075, C replaced by T.
Protein change: p.Thr692Ile; replaces threonine 692 with isoleucine.
Molecular consequence: missense variant.
Genome position (GRCh38, 1-based): chr17:39,490,700, C>T. VCF-style: chr17-39490700-C-T. GRCh37 (hg19) VCF-style: chr17-37646953-C-T.
Other names: c.2075C>T, p.Thr692Ile (NM_015083.4); short protein forms T692I.
Identifiers: ClinVar variation 3489374 (VCV003489374.1).